The following is an entry in ClinVar:

NM_005465.7(AKT3):c.696+147G>A

Gene: AKT3 (AKT serine/threonine kinase 3; minus strand). Cytogenetic location: 1q44.
Variant type: single nucleotide variant.
Coding change: c.696+147G>A on transcript NM_005465.7 (MANE Select); 147 bases into the intron after coding-DNA position 696, G replaced by A.
Molecular consequence: intron variant.
Genome position (GRCh38, 1-based): chr1:243,613,524, C>T on the plus strand (G>A on the coding strand, the complement: AKT3 is on the minus strand). VCF-style: chr1-243613524-C-T. GRCh37 (hg19) VCF-style: chr1-243776826-C-T.
Other names: c.696+147G>A (NM_181690.2, NM_001370074.1, NM_001206729.2).
Identifiers: ClinVar variation 675467 (VCV000675467.2), dbSNP rs76718021, ClinGen allele CA41030536.

ClinVar aggregate classification (germline): Benign. Review status: criteria provided, multiple submitters, no conflicts (2 of 4 stars). 2 submissions from 2 submitters: Benign (2). Last evaluated 2018-06-16.

Allele frequency attached by ClinVar (database versions not stated): gnomAD exomes 0.02975; 1000 Genomes Project 0.03954; gnomAD 0.03989 and 0.04118; 1000 Genomes Project 30x 0.04029; TOPMed 0.04246.
gnomAD v4.1: 15,000 of 449,606 alleles (3.3%); highest among the groups gnomAD compares: African/African-American, 6.8%; 342 homozygotes.

Submissions (2):

GeneDx
Classification: Benign. Last evaluated: 2018-06-16. Review status: criteria provided, single submitter. Criteria: GeneDx Variant Classification (06012015). Collection method: clinical testing. Allele origin: germline. Affected: yes.
Comment: This variant is considered likely benign or benign based on one or more of the following criteria: it is a conservative change, it occurs at a poorly conserved position in the protein, it is predicted to be benign by multiple in silico algorithms, and/or has population frequency not consistent with disease.

Breakthrough Genomics
Classification: Benign. Review status: criteria provided, single submitter. Criteria: ACMG Guidelines, 2015. Collection method: not provided. Allele origin: germline. Inheritance: Autosomal dominant inheritance. Affected: yes.